The following is an entry in ClinVar:

ClinVar aggregate classification (germline): Uncertain significance. Review status: criteria provided, multiple submitters, no conflicts (2 of 4 stars). 3 submissions from 3 submitters: Uncertain significance (3). Last evaluated 2026-01-27.

Conditions:
X-linked distal spinal muscular atrophy type 3. Also called: ATP7A-Related Distal Motor Neuropathy; SPINAL MUSCULAR ATROPHY, DISTAL, X-LINKED RECESSIVE; NEURONOPATHY, DISTAL HEREDITARY MOTOR, X-LINKED; NEUROPATHY, DISTAL HEREDITARY MOTOR, X-LINKED. Identifiers: Orphanet 139557, MedGen C1845359, MONDO:0010338, OMIM 300489.
Menkes kinky-hair syndrome (MNK). Also called: Copper transport disease; Classic Menkes Disease; Menkes Disease. Identifiers: Orphanet 565, MedGen C0022716, MONDO:0010651, OMIM 309400.
Cutis laxa, X-linked (OHS). Also called: EDS IX; Occipital horn syndrome. Identifiers: Orphanet 198, MedGen C0268353, MONDO:0010572, OMIM 304150.
Inborn genetic diseases. Identifiers: MedGen C0950123, MeSH D030342.

Allele frequency attached by ClinVar (database versions not stated): ExAC 0.00001; gnomAD 0.00001.

Submissions (3):

Labcorp Genetics (formerly Invitae), Labcorp
Classification: Uncertain significance for X-linked distal spinal muscular atrophy type 3; Cutis laxa, X-linked; Menkes kinky-hair syndrome. Last evaluated: 2026-01-27. Review status: criteria provided, single submitter. Criteria: Invitae Variant Classification Sherloc (09022015). Collection method: clinical testing. Allele origin: germline.
Comment: This sequence change replaces methionine, which is neutral and non-polar, with isoleucine, which is neutral and non-polar, at codon 1298 of the ATP7A protein (p.Met1298Ile). This variant is present in population databases (rs782499160, gnomAD 0.004%), including at least one homozygous and/or hemizygous individual. This variant has not been reported in the literature in individuals affected with ATP7A-related conditions. ClinVar contains an entry for this variant (Variation ID: 246567). Invitae Evidence Modeling of protein sequence and biophysical properties (such as structural, functional, and spatial information, amino acid conservation, physicochemical variation, residue mobility, and thermodynamic stability) indicates that this missense variant is expected to disrupt ATP7A protein function with a positive predictive value of 80%. In summary, the available evidence is currently insufficient to determine the role of this variant in disease. Therefore, it has been classified as a Variant of Uncertain Significance.

Ambry Genetics
Classification: Uncertain significance for Inborn genetic diseases. Last evaluated: 2021-08-23. Review status: criteria provided, single submitter. Criteria: Ambry Variant Classification Scheme 2023. Collection method: clinical testing. Allele origin: germline.

GeneDx
Classification: Uncertain significance. Last evaluated: 2016-04-29. Review status: criteria provided, single submitter. Criteria: GeneDx Variant Classification (06012015). Collection method: clinical testing. Allele origin: germline. Affected: yes.
Comment: The M1298I variant has not been published as a pathogenic variant, nor has it been reported as a benign variant to our knowledge. It was not observed in approximately 6,500 individuals of European and African American ancestry in the NHLBI Exome Sequencing Project, indicating it is not a common benign variant in these populations. This substitution occurs at a position that is conserved across species and in silico analysis predicts this variant is probably damaging to the protein structure/function. Missense variants in nearby residues (G1300E, D1301G, G1302R, G1302E, G1302V) have been reported in the Human Gene Mutation Database in association with ATP7A-related disorders (Stenson et al., 2014), supporting the functional importance of this region of the protein. However, the M1298I variant is a conservative amino acid substitution, which is not likely to impact secondary protein structure as these residues share similar properties. Therefore, based on the currently available information, it is unclear whether this variant is a pathogenic variant or a rare benign variant.

NM_000052.7(ATP7A):c.3894G>C (p.Met1298Ile)

Gene: ATP7A (ATPase copper transporting alpha; plus strand). Cytogenetic location: Xq21.1.
Variant type: single nucleotide variant.
Coding change: c.3894G>C on transcript NM_000052.7 (MANE Select); coding-DNA position 3894, G replaced by C.
Protein change: p.Met1298Ile; replaces methionine 1298 with isoleucine.
Molecular consequence: missense variant. On other transcripts: non-coding transcript variant (1).
Genome position (GRCh38, 1-based): chrX:78,042,677, G>C. VCF-style: chrX-78042677-G-C. GRCh37 (hg19) VCF-style: chrX-77298175-G-C.
Other names: c.3660G>C, p.Met1220Ile (NM_001282224.2); short protein forms M1298I, M1220I.
Identifiers: ClinVar variation 246567 (VCV000246567.10), dbSNP rs782499160, ClinGen allele CA10459478.